The following is an entry in ClinVar:

NM_001089.3(ABCA3):c.743C>T (p.Pro248Leu)

Gene: ABCA3 (ATP binding cassette subfamily A member 3; minus strand). Cytogenetic location: 16p13.3.
Variant type: single nucleotide variant.
Coding change: c.743C>T on transcript NM_001089.3 (MANE Select); coding-DNA position 743, C replaced by T.
Protein change: p.Pro248Leu; replaces proline 248 with leucine.
Molecular consequence: missense variant.
Genome position (GRCh38, 1-based): chr16:2,319,711, G>A on the plus strand (C>T on the coding strand, the complement: ABCA3 is on the minus strand). VCF-style: chr16-2319711-G-A. GRCh37 (hg19) VCF-style: chr16-2369712-G-A.
Other names: short protein forms P248L.
Identifiers: ClinVar variation 1758921 (VCV001758921.9), dbSNP rs771984033, ClinGen allele CA7841534.

ClinVar aggregate classification (germline): Pathogenic/Likely pathogenic. Review status: criteria provided, multiple submitters, no conflicts (2 of 4 stars). 3 submissions from 3 submitters: Pathogenic (2); Likely pathogenic (1). Last evaluated 2023-10-07.

Conditions:
Interstitial lung disease due to ABCA3 deficiency. Also called: PULMONARY ALVEOLAR PROTEINOSIS, CONGENITAL, 3. Identifiers: Orphanet 440402, MedGen C1970456, MONDO:0012582, OMIM 610921.
Hereditary pulmonary alveolar proteinosis. Also called: Pulmonary surfactant metabolism dysfunction. Identifiers: Orphanet 264675, MedGen C3711368, MONDO:0012580.

Allele frequency attached by ClinVar (database versions not stated): ExAC 0.00001; gnomAD 0.00001; TOPMed 0.00001; gnomAD exomes 0.00004.
gnomAD v4.1: 53 of 1,613,740 alleles (0.0033%); highest among the groups gnomAD compares: Non-Finnish European, 0.0043%; no homozygotes.

Submissions (3):

Labcorp Genetics (formerly Invitae), Labcorp
Classification: Likely pathogenic. Last evaluated: 2023-10-07. Review status: criteria provided, single submitter. Criteria: Invitae Variant Classification Sherloc (09022015). Collection method: clinical testing. Allele origin: germline.
Comment: This sequence change replaces proline, which is neutral and non-polar, with leucine, which is neutral and non-polar, at codon 248 of the ABCA3 protein (p.Pro248Leu). This variant is present in population databases (rs771984033, gnomAD 0.003%). This missense change has been observed in individual(s) with autosomal recessive ABCA3-related pulmonary conditions (PMID: 17517255, 23625987, 24871971). ClinVar contains an entry for this variant (Variation ID: 1758921). Advanced modeling of protein sequence and biophysical properties (such as structural, functional, and spatial information, amino acid conservation, physicochemical variation, residue mobility, and thermodynamic stability) performed at Invitae indicates that this missense variant is not expected to disrupt ABCA3 protein function. This variant disrupts the p.Pro248 amino acid residue in ABCA3. Other variant(s) that disrupt this residue have been observed in individuals with ABCA3-related conditions (PMID: 27516224), which suggests that this may be a clinically significant amino acid residue. In summary, the currently available evidence indicates that the variant is pathogenic, but additional data are needed to prove that conclusively. Therefore, this variant has been classified as Likely Pathogenic.

Women's Health and Genetics/Laboratory Corporation of America, LabCorp
Classification: Pathogenic for Interstitial lung disease due to ABCA3 deficiency. Last evaluated: 2023-07-26. Review status: criteria provided, single submitter. Criteria: LabCorp Variant Classification Summary - May 2015. Collection method: clinical testing. Allele origin: germline.
Comment: Variant summary: ABCA3 c.743C>T (p.Pro248Leu) results in a non-conservative amino acid change in the encoded protein sequence. Five of five in-silico tools predict a damaging effect of the variant on protein function. The variant allele was found at a frequency of 8e-06 in 250914 control chromosomes. c.743C>T has been reported in the literature as biallelic homozygous or compound heterozygous genotypes in multiple individuals affected with Pulmonary surfactant metabolism dysfunction (example, Somaschini_2007, Turcu_2013, Wambach_2014). These data indicate that the variant is very likely to be associated with disease. To our knowledge, no experimental evidence demonstrating an impact on protein function has been reported. The following publications have been ascertained in the context of this evaluation (PMID: 17517255, 23625987, 24871971). Two submitters have cited clinical-significance assessments for this variant to ClinVar after 2014. All submitters classified the variant as pathogenic/likely pathogenic. Based on the evidence outlined above, the variant was classified as pathogenic.

Ambry Genetics
Classification: Pathogenic for Hereditary pulmonary alveolar proteinosis. Last evaluated: 2017-12-21. Review status: criteria provided, single submitter. Criteria: Ambry Variant Classification Scheme 2023. Collection method: clinical testing. Allele origin: germline.
Comment: The p.P248L pathogenic mutation (also known as c.743C>T), located in coding exon 5 of the ABCA3 gene, results from a C to T substitution at nucleotide position 743. The proline at codon 248 is replaced by leucine, an amino acid with similar properties. This mutation was first reported in the homozygous state in a newborn with ABCA3-related surfactant deficiency (Somaschini M et al. J. Pediatr., 2007 Jun;150:649-53, 653.e1). In an infant with respiratory distress syndrome and a second ABCA3 alteration, optical microscopy of a lung biopsy identified multiple pathological and ultrastructural changes (Citti A et al. Ultrastruct Pathol, 2013 Oct;37:356-65). Based on the supporting evidence, this alteration is interpreted as a disease-causing mutation.

Literature cited by the submitters: PubMed 17517255 (cited by 3 submitters); PubMed 23625987 (cited by 3 submitters); PubMed 24871971 (cited by Labcorp Genetics (formerly Invitae), Labcorp and Women's Health and Genetics/Laboratory Corporation of America, LabCorp); PubMed 27516224 (cited by Labcorp Genetics (formerly Invitae), Labcorp); PubMed 24047351 (cited by Ambry Genetics).